The following is an entry in ClinVar:

NM_019066.5(MAGEL2):c.3038A>T (p.Glu1013Val)

Gene: MAGEL2 (MAGE family member L2; minus strand). Cytogenetic location: 15q11.2.
Variant type: single nucleotide variant.
Coding change: c.3038A>T on transcript NM_019066.5 (MANE Select); coding-DNA position 3038, A replaced by T.
Protein change: p.Glu1013Val; replaces glutamic acid 1013 with valine.
Molecular consequence: missense variant.
Genome position (GRCh38, 1-based): chr15:23,644,705, T>A on the plus strand (A>T on the coding strand, the complement: MAGEL2 is on the minus strand). VCF-style: chr15-23644705-T-A. GRCh37 (hg19) VCF-style: chr15-23889852-T-A.
Other names: short protein forms E1013V.
Identifiers: ClinVar variation 2444734 (VCV002444734.1), dbSNP rs1890354197, ClinGen allele CA391326339.

ClinVar aggregate classification (germline): Uncertain significance (1 of 4 stars; one submission).

Allele frequency attached by ClinVar (database versions not stated): TOPMed 0.00001.

Submission:

GeneDx
Classification: Uncertain significance. Last evaluated: 2022-09-15. Review status: criteria provided, single submitter. Criteria: GeneDx Variant Classification Process June 2021. Collection method: clinical testing. Allele origin: germline. Affected: yes.
Comment: Not observed at significant frequency in large population cohorts (gnomAD); In silico analysis supports that this missense variant has a deleterious effect on protein structure/function; Has not been previously published as pathogenic or benign to our knowledge